The following is an entry in ClinVar:

NM_003612.5(SEMA7A):c.999C>T (p.Ala333=)

Gene: SEMA7A (semaphorin 7A (JohnMiltonHagen blood group); minus strand). Cytogenetic location: 15q24.1.
Variant type: single nucleotide variant.
Coding change: c.999C>T on transcript NM_003612.5 (MANE Select); coding-DNA position 999, C replaced by T.
Protein change: p.Ala333=; no amino-acid change (alanine 333 retained).
Molecular consequence: synonymous variant.
Genome position (GRCh38, 1-based): chr15:74,414,934, G>A on the plus strand (C>T on the coding strand, the complement: SEMA7A is on the minus strand). VCF-style: chr15-74414934-G-A. GRCh37 (hg19) VCF-style: chr15-74707275-G-A.
Other names: c.957C>T, p.Ala319= (NM_001146029.3); c.504C>T, p.Ala168= (NM_001146030.3).
Identifiers: ClinVar variation 4981689 (VCV004981689.1).
Genomic context (GRCh38, chr15:74,414,934, plus strand): 5'-GCCCTTGAGTGAGGAGGTACGGAAGACCTTGTCAATGTCACCGAGGGAATACACACAGAC[G>A]GCTGAGTAGTTCCTGCAGTGACATGGAGACCAGCTCAATGGGGGGCCCAGAACCCACCCA-3'
Protein context (NP_003603.1, residues 323-343): GVFSNPWNYS[Ala333=]VCVYSLGDID

ClinVar aggregate classification (germline): Likely benign (1 of 4 stars; one submission).

Conditions:
SEMA7A-related disorder. Also called: SEMA7A-related condition.

gnomAD v4.1: 181 of 1,613,998 alleles (0.011%); highest among the groups gnomAD compares: African/African-American, 0.16%; 1 homozygote.

Submission:

PreventionGenetics, part of Exact Sciences
Classification: Likely benign for SEMA7A-related condition. Last evaluated: 2026-06-09. Review status: criteria provided, single submitter. Criteria: ACMG Guidelines, 2015. Collection method: clinical testing. Allele origin: germline.
Comment: This variant is classified as likely benign based on ACMG/AMP sequence variant interpretation guidelines (Richards et al. 2015 PMID: 25741868, with internal and published modifications).